The following is an entry in ClinVar:

ClinVar aggregate classification (germline): Likely benign (0 of 4 stars; one submission).

Conditions:
IFT172-related disorder. Also called: IFT172-related disorders; IFT172-related condition.

Submission:

PreventionGenetics, part of Exact Sciences
Classification: Likely benign for IFT172-related condition. Last evaluated: 2020-11-03. Review status: no assertion criteria provided. Collection method: clinical testing. Allele origin: germline.
Comment: This variant is classified as likely benign based on ACMG/AMP sequence variant interpretation guidelines (Richards et al. 2015 PMID: 25741868, with internal and published modifications).

NM_015662.3(IFT172):c.1168-8_1168-7del

Gene: IFT172 (intraflagellar transport 172; minus strand). Cytogenetic location: 2p23.3.
Variant type: Deletion.
Coding change: c.1168-8_1168-7del on transcript NM_015662.3 (MANE Select); 8 bases into the intron before coding-DNA position 1168 through 7 bases into the intron before coding-DNA position 1168, 2 bases deleted (CG; older notation c.1168-8_1168-7delCG).
Molecular consequence: intron variant.
Genome position (GRCh38, 1-based): chr2:27,477,619-27,477,620, CG deleted on the plus strand (CG on the coding strand, the reverse complement: IFT172 is on the minus strand). VCF-style (leftmost placement, unchanged base first): chr2-27477618-ACG-A. GRCh37 (hg19) VCF-style: chr2-27700485-ACG-A.
Other names: c.1168-8_1168-7del (NM_001410739.1).
Identifiers: ClinVar variation 3350669 (VCV003350669.1).